The following is an entry in ClinVar:

NM_001365999.1(SZT2):c.3802C>T (p.Arg1268Trp)

Gene: SZT2 (SZT2 subunit of KICSTOR complex; plus strand). Cytogenetic location: 1p34.2.
Variant type: single nucleotide variant.
Coding change: c.3802C>T on transcript NM_001365999.1 (MANE Select); coding-DNA position 3802, C replaced by T.
Protein change: p.Arg1268Trp; replaces arginine 1268 with tryptophan.
Molecular consequence: missense variant.
Genome position (GRCh38, 1-based): chr1:43,427,733, C>T. VCF-style: chr1-43427733-C-T. GRCh37 (hg19) VCF-style: chr1-43893404-C-T.
Other names: c.3631C>T (NM_015284.3); c.3631C>T, p.Arg1211Trp (NM_015284.4); short protein forms R1211W, R1268W.
Identifiers: ClinVar variation 1016120 (VCV001016120.10), dbSNP rs1031667752, ClinGen allele CA21634686.

ClinVar aggregate classification (germline): Uncertain significance. Review status: criteria provided, multiple submitters, no conflicts (2 of 4 stars). 4 submissions from 4 submitters: Uncertain significance (4). Last evaluated 2025-02-21.

Conditions:
Developmental and epileptic encephalopathy, 18 (DEE18). Also called: Early infantile epileptic encephalopathy 18. Identifiers: Orphanet 369894, MedGen C3809624, MONDO:0014201, OMIM 615476.
Inborn genetic diseases. Identifiers: MedGen C0950123, MeSH D030342.

Allele frequency attached by ClinVar (database versions not stated): gnomAD exomes below 0.00001 and 0.00002; gnomAD 0.00001; TOPMed 0.00002.
gnomAD v4.1: 29 of 1,612,808 alleles (0.0018%); highest among the groups gnomAD compares: East Asian, 0.0022%; no homozygotes.

Submissions (4):

Ambry Genetics
Classification: Uncertain significance for Inborn genetic diseases. Last evaluated: 2025-02-21. Review status: criteria provided, single submitter. Criteria: Ambry Variant Classification Scheme 2023. Collection method: clinical testing. Allele origin: germline.

Labcorp Genetics (formerly Invitae), Labcorp
Classification: Uncertain significance. Last evaluated: 2024-08-05. Review status: criteria provided, single submitter. Criteria: Invitae Variant Classification Sherloc (09022015). Collection method: clinical testing. Allele origin: germline.
Comment: This sequence change replaces arginine, which is basic and polar, with tryptophan, which is neutral and slightly polar, at codon 1211 of the SZT2 protein (p.Arg1211Trp). The frequency data for this variant in the population databases is considered unreliable, as metrics indicate poor data quality at this position in the gnomAD database. This variant has not been reported in the literature in individuals affected with SZT2-related conditions. ClinVar contains an entry for this variant (Variation ID: 1016120). An algorithm developed to predict the effect of missense changes on protein structure and function (PolyPhen-2) suggests that this variant is likely to be disruptive. In summary, the available evidence is currently insufficient to determine the role of this variant in disease. Therefore, it has been classified as a Variant of Uncertain Significance.

GeneDx
Classification: Uncertain significance. Last evaluated: 2023-07-27. Review status: criteria provided, single submitter. Criteria: GeneDx Variant Classification Process June 2021. Collection method: clinical testing. Allele origin: germline.
Comment: Not observed at significant frequency in large population cohorts (gnomAD); In silico analysis supports that this missense variant has a deleterious effect on protein structure/function; Has not been previously published as pathogenic or benign to our knowledge

Genome-Nilou Lab
Classification: Uncertain significance for Developmental and epileptic encephalopathy, 18. Last evaluated: 2023-04-11. Review status: criteria provided, single submitter. Criteria: ACMG Guidelines, 2015. Collection method: clinical testing. Allele origin: germline. Affected: no.